The following is an entry in ClinVar:

ClinVar aggregate classification (germline): Uncertain significance (1 of 4 stars; one submission).

gnomAD v4.1: 3 of 1,613,976 alleles (0.00019%); highest among the groups gnomAD compares: Admixed American, 0.005%; no homozygotes.

Submission:

Labcorp Genetics (formerly Invitae), Labcorp
Classification: Uncertain significance. Last evaluated: 2021-08-20. Review status: criteria provided, single submitter. Criteria: Invitae Variant Classification Sherloc (09022015). Collection method: clinical testing. Allele origin: germline.
Comment: This sequence change replaces arginine with proline at codon 270 of the PIGV protein (p.Arg270Pro). The arginine residue is weakly conserved and there is a moderate physicochemical difference between arginine and proline. This variant is not present in population databases (ExAC no frequency). This variant has not been reported in the literature in individuals affected with PIGV-related conditions. Algorithms developed to predict the effect of missense changes on protein structure and function output the following: SIFT: "Tolerated"; PolyPhen-2: "Benign"; Align-GVGD: "Class C0". The proline amino acid residue is found in multiple mammalian species, which suggests that this missense change does not adversely affect protein function. In summary, the available evidence is currently insufficient to determine the role of this variant in disease. Therefore, it has been classified as a Variant of Uncertain Significance.

NM_017837.4(PIGV):c.809G>C (p.Arg270Pro)

Gene: PIGV (phosphatidylinositol glycan anchor biosynthesis class V; plus strand). Cytogenetic location: 1p36.11.
Variant type: single nucleotide variant.
Coding change: c.809G>C on transcript NM_017837.4 (MANE Select); coding-DNA position 809, G replaced by C.
Protein change: p.Arg270Pro; replaces arginine 270 with proline.
Molecular consequence: missense variant. On other transcripts: non-coding transcript variant (1), intron variant (1).
Genome position (GRCh38, 1-based): chr1:26,794,843, G>C. VCF-style: chr1-26794843-G-C. GRCh37 (hg19) VCF-style: chr1-27121334-G-C.
Other names: c.809G>C, p.Arg270Pro (NM_001202554.2, NM_001374478.1, NM_001374480.1 and 2 more transcripts); c.428G>C, p.Arg143Pro (NM_001374483.1); c.182G>C, p.Arg61Pro (NM_001374484.1, NM_001374485.1); c.79-2720G>C (NM_001374486.1); short protein forms R61P, R270P, R143P.
Identifiers: ClinVar variation 1484074 (VCV001484074.3), dbSNP rs149379900, ClinGen allele CA339200728.
Genomic context (GRCh38, chr1:26,794,843, plus strand): 5'-TTCCCTTTGCCCTCTTTCAGTATTATGCCTACACCCAATTCTGTCTGCCAGGCTCAGCCC[G>C]CCCCATTCCTGAGCCTTTGGTACAGTTAGCTGTAGACAAGGGCTACCGGATTGCAGAGGG-3'
Protein context (NP_060307.2, residues 260-280): YTQFCLPGSA[Arg270Pro]PIPEPLVQLA